The following is an entry in ClinVar:

ClinVar aggregate classification (germline): Conflicting classifications of pathogenicity. Review status: criteria provided, conflicting classifications (1 of 4 stars). 4 submissions from 4 submitters: Uncertain significance (2); Likely benign (1). 1 of the submissions does not count toward it. Last evaluated 2024-12-27.

Conditions:
Hereditary cancer-predisposing syndrome. Also called: Hereditary neoplastic syndrome; Neoplastic Syndromes, Hereditary; Tumor predisposition; Hereditary Cancer Syndrome. Identifiers: Orphanet 140162, MedGen C0027672, MeSH D009386, MONDO:0015356.
Ataxia-telangiectasia syndrome (AT). Also called: LOUIS-BAR SYNDROME; Cerebello-oculocutaneous telangiectasia; Immunodeficiency with ataxia telangiectasia; AT, COMPLEMENTATION GROUP C; Ataxia-telangiectasia, complementation group D; ATAXIA-TELANGIECTASIA, COMPLEMENTATION GROUP A. Identifiers: Orphanet 100, MedGen C0004135, MONDO:0008840, OMIM 208900.

Allele frequency attached by ClinVar (database versions not stated): gnomAD exomes below 0.00001 and 0.00001; TOPMed below 0.00001; ExAC 0.00001.

Submissions (4):

Ambry Genetics
Classification: Likely benign for Hereditary cancer-predisposing syndrome. Last evaluated: 2024-12-27. Review status: criteria provided, single submitter. Criteria: Ambry Variant Classification Scheme 2023. Collection method: clinical testing. Allele origin: germline.

Labcorp Genetics (formerly Invitae), Labcorp
Classification: Uncertain significance for Ataxia-telangiectasia syndrome. Last evaluated: 2024-08-06. Review status: criteria provided, single submitter. Criteria: Invitae Variant Classification Sherloc (09022015). Collection method: clinical testing. Allele origin: germline.
Comment: This sequence change replaces valine, which is neutral and non-polar, with leucine, which is neutral and non-polar, at codon 835 of the ATM protein (p.Val835Leu). This variant is present in population databases (rs757151992, gnomAD 0.003%). This missense change has been observed in individual(s) with breast cancer (PMID: 30287823). ClinVar contains an entry for this variant (Variation ID: 482529). An algorithm developed to predict the effect of missense changes on protein structure and function (PolyPhen-2) suggests that this variant is likely to be tolerated. In summary, the available evidence is currently insufficient to determine the role of this variant in disease. Therefore, it has been classified as a Variant of Uncertain Significance.

Color Diagnostics, LLC DBA Color Health
Classification: Uncertain significance for Hereditary cancer-predisposing syndrome. Last evaluated: 2022-11-03. Review status: criteria provided, single submitter. Criteria: ACMG Guidelines, 2015. Collection method: clinical testing. Allele origin: germline.
Comment: This missense variant replaces valine with leucine at codon 835 of the ATM protein. Computational prediction suggests that this variant may not impact protein structure and function (internally defined REVEL score threshold <= 0.5, PMID: 27666373). To our knowledge, functional studies have not been reported for this variant. In a case-control study conducted in Japan, this variant was reported in 1/7051 breast cancer cases and absent in 11241 controls (PMID: 30287823). In a large international case-control study, this variant was reported in 1/60465 breast cancer cases and 1/53460 controls (PMID: 33471991). This variant has been identified in 1/251408 chromosomes in the general population by the Genome Aggregation Database (gnomAD). The available evidence is insufficient to determine the role of this variant in disease conclusively. Therefore, this variant is classified as a Variant of Uncertain Significance.

Natera, Inc.
Classification: Uncertain significance for Ataxia-telangiectasia. Last evaluated: 2020-09-16. Review status: no assertion criteria provided. Collection method: clinical testing. Allele origin: germline. Not counted in ClinVar's aggregate classification.

Literature cited by the submitters: PubMed 30287823 (cited by Labcorp Genetics (formerly Invitae), Labcorp and Color Diagnostics, LLC DBA Color Health); PubMed 33471991 (cited by Color Diagnostics, LLC DBA Color Health).

NM_000051.4(ATM):c.2503G>T (p.Val835Leu)

Gene: ATM (ATM serine/threonine kinase; plus strand). Cytogenetic location: 11q22.3.
Variant type: single nucleotide variant.
Coding change: c.2503G>T on transcript NM_000051.4 (MANE Select); coding-DNA position 2503, G replaced by T.
Protein change: p.Val835Leu; replaces valine 835 with leucine.
Molecular consequence: missense variant.
Genome position (GRCh38, 1-based): chr11:108,267,207, G>T. VCF-style: chr11-108267207-G-T. GRCh37 (hg19) VCF-style: chr11-108137934-G-T.
Other names: c.2503G>T, p.Val835Leu (NM_001351834.2); short protein forms V835L.
Identifiers: ClinVar variation 482529 (VCV000482529.20), dbSNP rs757151992, ClinGen allele CA6265052.